The following is an entry in ClinVar:

ClinVar aggregate classification (germline): Uncertain significance. Review status: criteria provided, multiple submitters, no conflicts (2 of 4 stars). 2 submissions from 2 submitters: Uncertain significance (2). Last evaluated 2025-10-11.

Conditions:
Familial thoracic aortic aneurysm and aortic dissection (TAAD). Also called: Thoracic aortic aneurysms and dissections. Identifiers: Orphanet 91387, MedGen C4707243, MONDO:0019625.

gnomAD v4.1: 2 of 1,614,092 alleles (0.00012%); highest among the groups gnomAD compares: Admixed American, 0.0033%; no homozygotes.

Submissions (2):

Ambry Genetics
Classification: Uncertain significance for Familial thoracic aortic aneurysm and aortic dissection. Last evaluated: 2025-10-11. Review status: criteria provided, single submitter. Criteria: Ambry Variant Classification Scheme 2023. Collection method: clinical testing. Allele origin: germline.
Comment: The p.W30C variant (also known as c.90G>T), located in coding exon 1 of the MYH11 gene, results from a G to T substitution at nucleotide position 90. The tryptophan at codon 30 is replaced by cysteine, an amino acid with highly dissimilar properties. This amino acid position is conserved. In addition, this alteration is predicted to be deleterious by in silico analysis. Based on the available evidence, the clinical significance of this variant remains unclear.

GeneDx
Classification: Uncertain significance. Last evaluated: 2025-04-02. Review status: criteria provided, single submitter. Criteria: GeneDx Variant Classification Process June 2021. Collection method: clinical testing. Allele origin: germline. Affected: yes.
Comment: Not observed at significant frequency in large population cohorts (gnomAD); In silico analysis supports that this missense variant has a deleterious effect on protein structure/function; Has not been previously published as pathogenic or benign to our knowledge

NM_002474.3(MYH11):c.90G>T (p.Trp30Cys)

Gene: MYH11 (myosin heavy chain 11; minus strand). Cytogenetic location: 16p13.11.
Variant type: single nucleotide variant.
Coding change: c.90G>T on transcript NM_002474.3 (MANE Select); coding-DNA position 90, G replaced by T.
Protein change: p.Trp30Cys; replaces tryptophan 30 with cysteine.
Molecular consequence: missense variant.
Genome position (GRCh38, 1-based): chr16:15,838,163, C>A on the plus strand (G>T on the coding strand, the complement: MYH11 is on the minus strand). VCF-style: chr16-15838163-C-A. GRCh37 (hg19) VCF-style: chr16-15932020-C-A.
Other names: c.90G>T, p.Trp30Cys (NM_001040113.2, NM_001040114.2, NM_022844.3); short protein forms W30C.
Identifiers: ClinVar variation 4278495 (VCV004278495.2).